The following is an entry in ClinVar:

ClinVar aggregate classification (germline): Uncertain significance (1 of 4 stars; one submission).

Conditions:
PDGFRA-related disorder. Also called: PDGFRA-related condition.

Allele frequency attached by ClinVar (database versions not stated): TOPMed 0.00001.
gnomAD v4.1: 17 of 1,361,502 alleles (0.0012%); highest among the groups gnomAD compares: Middle Eastern, 0.019%; no homozygotes.

Submission:

PreventionGenetics, part of Exact Sciences
Classification: Uncertain significance for PDGFRA-related condition. Last evaluated: 2022-08-21. Review status: criteria provided, single submitter. Criteria: ACMG Guidelines, 2015. Collection method: clinical testing. Allele origin: germline.
Comment: The PDGFRA c.2420C>T variant is predicted to result in the amino acid substitution p.Pro807Leu. To our knowledge, this variant has not been reported in the literature. This variant is reported in 0.0045% of alleles in individuals of South Asian descent in gnomAD. At this time, the clinical significance of this variant is uncertain due to the absence of conclusive functional and genetic evidence.

NM_006206.6(PDGFRA):c.2323+1195C>T

Genes: PDGFRA (platelet derived growth factor receptor alpha; plus strand), LOC126807054 (BRD4-independent group 4 enhancer GRCh37_chr4:55147260-55148459; plus strand). Cytogenetic location: 4q12.
Variant type: single nucleotide variant.
Coding change: c.2323+1195C>T on transcript NM_006206.6 (MANE Select); 1195 bases into the intron after coding-DNA position 2323, C replaced by T.
Molecular consequence: intron variant. On other transcripts: missense variant (1).
Genome position (GRCh38, 1-based): chr4:54,281,677, C>T. VCF-style: chr4-54281677-C-T. GRCh37 (hg19) VCF-style: chr4-55147844-C-T.
Other names: c.2420C>T, p.Pro807Leu (NM_001347827.2); c.2398+1195C>T (NM_001347828.2); c.2323+1195C>T (NM_001347829.2); c.2362+1195C>T (NM_001347830.2); short protein forms P807L.
Identifiers: ClinVar variation 2635690 (VCV002635690.1), dbSNP rs1313408257, ClinGen allele CA551370560.
Genomic context (GRCh38, chr4:54,281,677, plus strand): 5'-ACCTGAGTCATGCTCAGGCCCAAGCCCTGTTGGCAGGCAGACCACTGCTTTCTGGCCTTC[C>T]GTGACTATCTGAAAAAAATCGTGAATGGCTAGAGCTACTCTTCACTTGCTGAACATTTTC-3'